The following is an entry in ClinVar:

NM_007294.4(BRCA1):c.2023G>A (p.Ala675Thr)

Gene: BRCA1 (BRCA1 DNA repair associated; minus strand). Cytogenetic location: 17q21.31.
Variant type: single nucleotide variant.
Coding change: c.2023G>A on transcript NM_007294.4 (MANE Select); coding-DNA position 2023, G replaced by A.
Protein change: p.Ala675Thr; replaces alanine 675 with threonine.
Molecular consequence: missense variant. On other transcripts: intron variant (137).
Genome position (GRCh38, 1-based): chr17:43,093,508, C>T on the plus strand (G>A on the coding strand, the complement: BRCA1 is on the minus strand). VCF-style: chr17-43093508-C-T. GRCh37 (hg19) VCF-style: chr17-41245525-C-T.
Other names: c.1882G>A, p.Ala628Thr (NM_001407731.1, NM_001407732.1, NM_001407733.1 and 29 more transcripts); c.1879G>A, p.Ala627Thr (NM_001407839.1, NM_001407838.1, NM_001407749.1 and 20 more transcripts); c.1756G>A, p.Ala586Thr (NM_001407930.1, NM_001407931.1, NM_001407932.1 and 2 more transcripts); c.1897G>A, p.Ala633Thr (NM_001407941.1, NM_001407940.1, NM_001407649.1 and 11 more transcripts); c.1690G>A, p.Ala564Thr (NM_001407946.1, NM_001407947.1, NM_001407948.1 and 6 more transcripts); c.1642G>A, p.Ala548Thr (NM_001407960.1, NM_001407963.1, NM_001407959.1); c.1639G>A, p.Ala547Thr (NM_001407962.1); c.1519G>A, p.Ala507Thr (NM_001407965.1); and 40 more; short protein forms A628T, A675T, A548T, A604T, A608T, A648T, A649T, A674T.
Identifiers: ClinVar variation 656387 (VCV000656387.13), dbSNP rs1597872640, ClinGen allele CA10597965.
Genomic context (GRCh38, chr17:43,093,508, plus strand): 5'-CGCTGTCATGTCTTTTACTTGTCTGTTCATTTGGCTTGTTACTCTTCTTGGCTCCAGTTG[C>T]AGGTTCTTTACCTTCCATGAGTTGTAGGTTTCTGCTGTGCCTGACTGGCATTTGGTTGTA-3'
Protein context (NP_009225.1, residues 665-685): NLQLMEGKEP[Ala675Thr]TGAKKSNKPN

ClinVar aggregate classification (germline): Conflicting classifications of pathogenicity. Review status: criteria provided, conflicting classifications (1 of 4 stars). 3 submissions from 3 submitters: Uncertain significance (2); Likely benign (1). Last evaluated 2025-09-05.

Conditions:
Hereditary breast ovarian cancer syndrome. Also called: Hereditary breast and ovarian cancer; Hereditary breast and/or ovarian cancer syndrome; Breast and ovarian cancer; BRCA1- and BRCA2-Associated Hereditary Breast and Ovarian Cancer; Hereditary breast and ovarian cancer syndrome; Hereditary breast and ovarian cancer syndrome (HBOC). Identifiers: Orphanet 145, MedGen C0677776, MeSH D061325, MONDO:0003582. Disease mechanism: loss of function.
Hereditary cancer-predisposing syndrome. Also called: Hereditary neoplastic syndrome; Tumor predisposition; Neoplastic Syndromes, Hereditary; Hereditary Cancer Syndrome. Identifiers: Orphanet 140162, MedGen C0027672, MeSH D009386, MONDO:0015356.

Allele frequency attached by ClinVar (database versions not stated): gnomAD exomes below 0.00001.
gnomAD v4.1: 1 of 1,614,042 alleles (0.000062%); highest among the groups gnomAD compares: Non-Finnish European, 0.000085%; no homozygotes.

Submissions (3):

Ambry Genetics
Classification: Uncertain significance for Hereditary cancer-predisposing syndrome. Last evaluated: 2025-09-05. Review status: criteria provided, single submitter. Criteria: Ambry Variant Classification Scheme 2023. Collection method: clinical testing. Allele origin: germline.
Comment: The p.A675T variant (also known as c.2023G>A), located in coding exon 9 of the BRCA1 gene, results from a G to A substitution at nucleotide position 2023. The alanine at codon 675 is replaced by threonine, an amino acid with similar properties. This amino acid position is not well conserved in available vertebrate species. In addition, this alteration is predicted to be tolerated by in silico analysis. Based on the available evidence, the clinical significance of this variant remains unclear.

University of Washington Department of Laboratory Medicine, University of Washington
Classification: Likely benign for Hereditary cancer-predisposing syndrome. Last evaluated: 2023-03-23. Review status: criteria provided, single submitter. Criteria: Dines et al. (Genet Med. 2020). Collection method: curation. Allele origin: germline.
Comment: Missense variant in a coldspot region where missense variants are very unlikely to be pathogenic (PMID:31911673).

BRCA1 coldspot (exon 11 using historical exon numbering). Reclassification based on statistical prior probability

Labcorp Genetics (formerly Invitae), Labcorp
Classification: Uncertain significance for Hereditary breast ovarian cancer syndrome. Last evaluated: 2018-12-27. Review status: criteria provided, single submitter. Criteria: Invitae Variant Classification Sherloc (09022015). Collection method: clinical testing. Allele origin: germline.
Comment: This variant has not been reported in the literature in individuals with BRCA1-related conditions. Algorithms developed to predict the effect of missense changes on protein structure and function output the following: SIFT: "Tolerated"; PolyPhen-2: "Benign"; Align-GVGD: "Class C0". The threonine amino acid residue is found in multiple mammalian species, suggesting that this missense change does not adversely affect protein function. These predictions have not been confirmed by published functional studies and their clinical significance is uncertain. In summary, the available evidence is currently insufficient to determine the role of this variant in disease. Therefore, it has been classified as a Variant of Uncertain Significance. This variant is not present in population databases (ExAC no frequency). This sequence change replaces alanine with threonine at codon 675 of the BRCA1 protein (p.Ala675Thr). The alanine residue is moderately conserved and there is a small physicochemical difference between alanine and threonine.